The following is an entry in ClinVar:

ClinVar aggregate classification (germline): Pathogenic (1 of 4 stars; one submission).

Conditions:
Alkaptonuria (AKU). Also called: HOMOGENTISIC ACID OXIDASE DEFICIENCY; Alkaptonuric ochronosis; Alcaptonuria; Homogentisic acidura. Identifiers: Orphanet 56, MedGen C0002066, MONDO:0008753, OMIM 203500.

Submission:

Labcorp Genetics (formerly Invitae), Labcorp
Classification: Pathogenic for Alkaptonuria. Last evaluated: 2023-04-20. Review status: criteria provided, single submitter. Criteria: Invitae Variant Classification Sherloc (09022015). Collection method: clinical testing. Allele origin: unknown.
Comment: For these reasons, this variant has been classified as Pathogenic. This variant has not been reported in the literature in individuals affected with HGD-related conditions. This variant is a gross deletion of the genomic region encompassing exon(s) 1 of the HGD gene, which includes the initiator codon. This deletion extends beyond the assayed region for this gene and therefore may encompass additional genes. It is expected to result in an absent or disrupted protein product. Loss-of-function variants in HGD are known to be pathogenic (PMID: 12501223, 19862842).

Literature cited by the submitters: PubMed 12501223; PubMed 19862842.

NC_000003.11:g.(?_120400924)_(120400958_?)del

Gene: HGD (homogentisate 1,2-dioxygenase; minus strand). Cytogenetic location: 3q13.33.
Variant type: Deletion.
Identifiers: ClinVar variation 3246780 (VCV003246780.1).